The following is an entry in ClinVar:

ClinVar aggregate classification (germline): Uncertain significance. Review status: criteria provided, multiple submitters, no conflicts (2 of 4 stars). 2 submissions from 2 submitters: Uncertain significance (2). Last evaluated 2025-11-05.

Conditions:
Ectodermal dysplasia 10A, hypohidrotic/hair/nail type, autosomal dominant (ECTD10A). Also called: Ectodermal Dysplasia 3, Anhidrotic. Identifiers: Orphanet 1810, Orphanet 238468, MedGen C3888065, MONDO:0007509, OMIM 129490.
Autosomal recessive hypohidrotic ectodermal dysplasia syndrome. Also called: Autosomal recessive hypohidrotic ectodermal dysplasia. Identifiers: Orphanet 248, MedGen C0406702, MONDO:0016619.
Inborn genetic diseases. Identifiers: MedGen C0950123, MeSH D030342.

Allele frequency attached by ClinVar (database versions not stated): TOPMed 0.00004.
gnomAD v4.1: 30 of 1,613,494 alleles (0.0019%); highest among the groups gnomAD compares: Admixed American, 0.05%; no homozygotes.

Submissions (2):

Ambry Genetics
Classification: Uncertain significance for Inborn genetic diseases. Last evaluated: 2025-11-05. Review status: criteria provided, single submitter. Criteria: Ambry Variant Classification Scheme 2023. Collection method: clinical testing. Allele origin: germline.

Labcorp Genetics (formerly Invitae), Labcorp
Classification: Uncertain significance for Ectodermal dysplasia 10A, hypohidrotic/hair/nail type, autosomal dominant; Autosomal recessive hypohidrotic ectodermal dysplasia syndrome. Last evaluated: 2025-04-11. Review status: criteria provided, single submitter. Criteria: Invitae Variant Classification Sherloc (09022015). Collection method: clinical testing. Allele origin: germline.
Comment: This sequence change replaces proline, which is neutral and non-polar, with arginine, which is basic and polar, at codon 298 of the EDAR protein (p.Pro298Arg). This variant is present in population databases (rs768660721, gnomAD 0.07%). This variant has not been reported in the literature in individuals affected with EDAR-related conditions. ClinVar contains an entry for this variant (Variation ID: 2937739). Invitae Evidence Modeling of protein sequence and biophysical properties (such as structural, functional, and spatial information, amino acid conservation, physicochemical variation, residue mobility, and thermodynamic stability) indicates that this missense variant is not expected to disrupt EDAR protein function with a negative predictive value of 80%. In summary, the available evidence is currently insufficient to determine the role of this variant in disease. Therefore, it has been classified as a Variant of Uncertain Significance.

NM_022336.4(EDAR):c.893C>G (p.Pro298Arg)

Genes: EDAR (ectodysplasin A receptor; minus strand), RANBP2 (RAN binding protein 2; plus strand). Cytogenetic location: 2q13.
Variant type: single nucleotide variant.
Coding change: c.893C>G on transcript NM_022336.4 (MANE Select); coding-DNA position 893, C replaced by G.
Protein change: p.Pro298Arg; replaces proline 298 with arginine.
Molecular consequence: missense variant.
Genome position (GRCh38, 1-based): chr2:108,907,930, G>C on the plus strand (C>G on the coding strand, the complement: EDAR is on the minus strand). VCF-style: chr2-108907930-G-C. GRCh37 (hg19) VCF-style: chr2-109524386-G-C.
Other names: c.893C>G (NM_022336.3); short protein forms P298R.
Identifiers: ClinVar variation 2937739 (VCV002937739.4), dbSNP rs768660721, ClinGen allele CA1824893.
Genomic context (GRCh38, chr2:108,907,930, plus strand): 5'-TTGTTGCTGGTGGCAGACTTCTCCCTGGCCAGGTGAACCAGCGACAGCAGGCACAGCTCC[G>C]GGGAGCCCTGCTTGTCAGGGGCGGGCTCCTCATCACTGTCGACGCTCCGGCTCAGCAGCT-3'
Protein context (NP_071731.1, residues 288-308): EEPAPDKQGS[Pro298Arg]ELCLLSLVHL